The following is an entry in ClinVar:

NM_001330260.2(SCN8A):c.3645+6G>T

Gene: SCN8A (sodium voltage-gated channel alpha subunit 8; plus strand). Cytogenetic location: 12q13.13.
Variant type: single nucleotide variant.
Coding change: c.3645+6G>T on transcript NM_001330260.2 (MANE Select); 6 bases into the intron after coding-DNA position 3645, G replaced by T.
Molecular consequence: intron variant.
Genome position (GRCh38, 1-based): chr12:51,770,689, G>T. VCF-style: chr12-51770689-G-T. GRCh37 (hg19) VCF-style: chr12-52164473-G-T.
Other names: c.3645+6G>T (NM_014191.4, NM_001177984.3, NM_001369788.1).
Identifiers: ClinVar variation 4738702 (VCV004738702.1).

ClinVar aggregate classification (germline): Uncertain significance (1 of 4 stars; one submission).

Conditions:
Early-infantile DEE. Also called: Early infantile epileptic encephalopathy; Ohtahara syndrome; Early infantile epileptic encephalopathy with suppression bursts. Identifiers: Orphanet 1934, MedGen C0393706, MONDO:0800491.

gnomAD v4.1: 1 of 1,613,406 alleles (0.000062%); highest among the groups gnomAD compares: Admixed American, 0.0017%; no homozygotes.

Submission:

Labcorp Genetics (formerly Invitae), Labcorp
Classification: Uncertain significance for Early-infantile DEE. Last evaluated: 2025-08-11. Review status: criteria provided, single submitter. Criteria: Invitae Variant Classification Sherloc (09022015). Collection method: clinical testing. Allele origin: germline.
Comment: This sequence change falls in intron 19 of the SCN8A gene. It does not directly change the encoded amino acid sequence of the SCN8A protein. It affects a nucleotide within the consensus splice site. This variant is present in population databases (rs749156537, gnomAD 0.003%). This variant has not been reported in the literature in individuals affected with SCN8A-related conditions. Variants that disrupt the consensus splice site are a relatively common cause of aberrant splicing (PMID: 17576681, 9536098). Algorithms developed to predict the effect of sequence changes on RNA splicing suggest that this variant is not likely to affect RNA splicing. In summary, the available evidence is currently insufficient to determine the role of this variant in disease. Therefore, it has been classified as a Variant of Uncertain Significance.

Literature cited by the submitters: PubMed 17576681; PubMed 9536098.